The following is an entry in ClinVar:

ClinVar aggregate classification (germline): Uncertain significance (1 of 4 stars; one submission).

Conditions:
Bethlem myopathy 2 (BTHLM2). Identifiers: Orphanet 536516, Orphanet 610, MedGen C4225313, MONDO:0034022, OMIM 616471.
Ullrich congenital muscular dystrophy 2 (UCMD2). Identifiers: Orphanet 75840, MedGen C4225314, MONDO:0014654, OMIM 616470.

gnomAD v4.1: 7 of 1,613,262 alleles (0.00043%); highest among the groups gnomAD compares: Non-Finnish European, 0.00059%; no homozygotes.

Submission:

Labcorp Genetics (formerly Invitae), Labcorp
Classification: Uncertain significance for Bethlem myopathy 2; Ullrich congenital muscular dystrophy 2. Last evaluated: 2025-10-29. Review status: criteria provided, single submitter. Criteria: Invitae Variant Classification Sherloc (09022015). Collection method: clinical testing. Allele origin: germline.
Comment: This sequence change affects codon 1979 of the COL12A1 mRNA. It is a 'silent' change, meaning that it does not change the encoded amino acid sequence of the COL12A1 protein. It affects a nucleotide within the consensus splice site. This variant is not present in population databases (gnomAD no frequency). This variant has not been reported in the literature in individuals affected with COL12A1-related conditions. Algorithms developed to predict the effect of sequence changes on RNA splicing suggest that this variant is not likely to affect RNA splicing. In summary, the available evidence is currently insufficient to determine the role of this variant in disease. Therefore, it has been classified as a Variant of Uncertain Significance.

NM_004370.6(COL12A1):c.5937T>A (p.Ser1979=)

Gene: COL12A1 (collagen type XII alpha 1 chain; minus strand). Cytogenetic location: 6q13.
Variant type: single nucleotide variant.
Coding change: c.5937T>A on transcript NM_004370.6 (MANE Select); coding-DNA position 5937, T replaced by A.
Protein change: p.Ser1979=; no amino-acid change (serine 1979 retained).
Molecular consequence: synonymous variant.
Genome position (GRCh38, 1-based): chr6:75,131,940, A>T on the plus strand (T>A on the coding strand, the complement: COL12A1 is on the minus strand). VCF-style: chr6-75131940-A-T. GRCh37 (hg19) VCF-style: chr6-75841656-A-T.
Other names: c.2445T>A, p.Ser815= (NM_080645.3, NM_001424116.1); c.5937T>A, p.Ser1979= (NM_001424113.1); c.5916T>A, p.Ser1972= (NM_001424114.1); c.5664T>A, p.Ser1888= (NM_001424115.1).
Identifiers: ClinVar variation 4791837 (VCV004791837.1).